The following is an entry in ClinVar:

ClinVar aggregate classification (germline): Uncertain significance (1 of 4 stars; one submission).

Submission:

Labcorp Genetics (formerly Invitae), Labcorp
Classification: Uncertain significance. Last evaluated: 2022-06-20. Review status: criteria provided, single submitter. Criteria: Invitae Variant Classification Sherloc (09022015). Collection method: clinical testing. Allele origin: germline.
Comment: Experimental studies and prediction algorithms are not available or were not evaluated, and the functional significance of this variant is currently unknown. In summary, the available evidence is currently insufficient to determine the role of this variant in disease. Therefore, it has been classified as a Variant of Uncertain Significance. This variant has not been reported in the literature in individuals affected with TBX20-related conditions. This variant is present in population databases (rs779973963, gnomAD 0.003%). This variant, c.711_713dup, results in the insertion of 1 amino acid(s) of the TBX20 protein (p.Lys237_Asp238insGlu), but otherwise preserves the integrity of the reading frame.

NM_001077653.2(TBX20):c.711_713dup (p.Lys237_Asp238insGlu)

Gene: TBX20 (T-box transcription factor 20; minus strand). Cytogenetic location: 7p14.2.
Variant type: Duplication.
Coding change: c.711_713dup on transcript NM_001077653.2 (MANE Select); coding-DNA positions 711 to 713, 3 bases duplicated (AGA; older notation c.711_713dupAGA).
Protein change: p.Lys237_Asp238insGlu.
Molecular consequence: inframe insertion.
Genome position (GRCh38, 1-based): chr7:35,240,979-35,240,981, TCT duplicated on the plus strand (AGA on the coding strand, the reverse complement: TBX20 is on the minus strand); duplicating any 3 consecutive bases within chr7:35,240,979-35,240,982 gives the same sequence; the c. name uses the placement nearest the transcript's 3' end. VCF-style (leftmost placement, unchanged base first): chr7-35240978-G-GTCT. GRCh37 (hg19) VCF-style: chr7-35280590-G-GTCT.
Other names: c.711_713dup, p.Lys237_Asp238insGlu (NM_001166220.1).
Identifiers: ClinVar variation 1359872 (VCV001359872.6), dbSNP rs779973963, ClinGen allele CA4217443.
Genomic context (GRCh38, chr7:35,240,978, plus strand): 5'-TTCTGGAAAGATGAAAGTTCTAAATTCTTCAGACTTCAGGTTGAGCAATGAGGCTGTGTG[G>GTCT]TCTTTCTTCTTAATGATGTGCACCCTTGGCTGGTACTTATGCATTGAGTTCAAAATTATC-3'